The following is an entry in ClinVar:

ClinVar aggregate classification (germline): Uncertain significance (1 of 4 stars; one submission).

Conditions:
Arrhythmogenic right ventricular dysplasia 9 (ARVD9). Also called: Arrhythmogenic Right Ventricular Dysplasia/Cardiomyopathy 9; ARRHYTHMOGENIC RIGHT VENTRICULAR DYSPLASIA, FAMILIAL, 9. Identifiers: MedGen C1836906, MONDO:0012180, OMIM 609040.

Submission:

Labcorp Genetics (formerly Invitae), Labcorp
Classification: Uncertain significance for Arrhythmogenic right ventricular dysplasia 9. Last evaluated: 2024-07-30. Review status: criteria provided, single submitter. Criteria: Invitae Variant Classification Sherloc (09022015). Collection method: clinical testing. Allele origin: germline.
Comment: This sequence change replaces tryptophan, which is neutral and slightly polar, with arginine, which is basic and polar, at codon 471 of the PKP2 protein (p.Trp471Arg). This variant is not present in population databases (gnomAD no frequency). This variant has not been reported in the literature in individuals affected with PKP2-related conditions. An algorithm developed to predict the effect of missense changes on protein structure and function outputs the following: PolyPhen-2: "Benign". The arginine amino acid residue is found in multiple mammalian species, which suggests that this missense change does not adversely affect protein function. In summary, the available evidence is currently insufficient to determine the role of this variant in disease. Therefore, it has been classified as a Variant of Uncertain Significance.

NM_001005242.3(PKP2):c.1379-2076T>C

Gene: PKP2 (plakophilin 2; minus strand). Cytogenetic location: 12p11.21.
Variant type: single nucleotide variant.
Coding change: c.1379-2076T>C on transcript NM_001005242.3 (MANE Select); 2076 bases into the intron before coding-DNA position 1379, T replaced by C.
Molecular consequence: intron variant. On other transcripts: missense variant (2).
Genome position (GRCh38, 1-based): chr12:32,843,281, A>G on the plus strand (T>C on the coding strand, the complement: PKP2 is on the minus strand). VCF-style: chr12-32843281-A-G. GRCh37 (hg19) VCF-style: chr12-32996215-A-G.
Other names: c.1411T>C, p.Trp471Arg (NM_001407157.1, NM_004572.4); c.1379-2076T>C (NM_001407156.1, NM_001407155.1, NM_001407161.1); c.1052-2076T>C (NM_001407160.1, NM_001407159.1, NM_001407158.1 and 1 more transcripts); short protein forms W471R.
Identifiers: ClinVar variation 3660816 (VCV003660816.2).